The following is an entry in ClinVar:

ClinVar aggregate classification (germline): Uncertain significance (1 of 4 stars; one submission).

Allele frequency attached by ClinVar (database versions not stated): gnomAD 0.00001; gnomAD exomes 0.00002 and 0.00004; TOPMed 0.00002; ExAC 0.00003.
gnomAD v4.1: 35 of 1,566,766 alleles (0.0022%); highest among the groups gnomAD compares: Middle Eastern, 0.017%; no homozygotes.

Submission:

Labcorp Genetics (formerly Invitae), Labcorp
Classification: Uncertain significance. Last evaluated: 2022-08-16. Review status: criteria provided, single submitter. Criteria: Invitae Variant Classification Sherloc (09022015). Collection method: clinical testing. Allele origin: germline.
Comment: This sequence change replaces proline, which is neutral and non-polar, with leucine, which is neutral and non-polar, at codon 716 of the PTPN23 protein (p.Pro716Leu). This variant is present in population databases (rs756785594, gnomAD 0.02%). This variant has not been reported in the literature in individuals affected with PTPN23-related conditions. ClinVar contains an entry for this variant (Variation ID: 1465287). Algorithms developed to predict the effect of missense changes on protein structure and function are either unavailable or do not agree on the potential impact of this missense change (SIFT: "Deleterious"; PolyPhen-2: "Not Available"; Align-GVGD: "Class C0"). In summary, the available evidence is currently insufficient to determine the role of this variant in disease. Therefore, it has been classified as a Variant of Uncertain Significance.

NM_015466.4(PTPN23):c.2147C>T (p.Pro716Leu)

Gene: PTPN23 (protein tyrosine phosphatase non-receptor type 23; plus strand). Cytogenetic location: 3p21.31.
Variant type: single nucleotide variant.
Coding change: c.2147C>T on transcript NM_015466.4 (MANE Select); coding-DNA position 2147, C replaced by T.
Protein change: p.Pro716Leu; replaces proline 716 with leucine.
Molecular consequence: missense variant.
Genome position (GRCh38, 1-based): chr3:47,409,945, C>T. VCF-style: chr3-47409945-C-T. GRCh37 (hg19) VCF-style: chr3-47451435-C-T.
Other names: c.1769C>T, p.Pro590Leu (NM_001304482.2); short protein forms P590L, P716L.
Identifiers: ClinVar variation 1465287 (VCV001465287.3), dbSNP rs756785594, ClinGen allele CA2365955.